The following is an entry in ClinVar:

ClinVar aggregate classification (germline): Pathogenic (1 of 4 stars; one submission).

Submission:

GeneDx
Classification: Pathogenic. Last evaluated: 2013-08-21. Review status: criteria provided, single submitter. Criteria: GeneDx Variant Classification (06012015). Collection method: clinical testing. Allele origin: germline. Affected: yes.
Comment: p.Phe244Leu (F244L) TTC>CTC: c.730 T>C in exon 8 of the MYH7 gene (NM_000257.2). The Phe244Leu mutation in the MYH7 gene has been reported in association with HCM (Rayment I et al., 2005). Phe244Leu results in a semi-conservative amino acid substitution of large, bulky Phenylalanine with a smaller Leucine at a position that is conserved across species. Mutations in nearby residues (Arg243Cys, Arg243His, Lys246Gln, Phe247Leu) have been reported in association with HCM, further supporting the functional importance of this region of the protein. Furthermore, the Phe244Leu mutation was not observed in approximately 6,500 individuals of European and African American ancestry in the NHLBI Exome Sequencing Project, indicating it is not a common benign variant in these populations. The variant is found in MYH7 panel(s).

NM_000257.4(MYH7):c.730T>C (p.Phe244Leu)

Gene: MYH7 (myosin heavy chain 7; minus strand). Cytogenetic location: 14q11.2.
Variant type: single nucleotide variant.
Coding change: c.730T>C on transcript NM_000257.4 (MANE Select); coding-DNA position 730, T replaced by C.
Protein change: p.Phe244Leu; replaces phenylalanine 244 with leucine.
Molecular consequence: missense variant.
Genome position (GRCh38, 1-based): chr14:23,431,587, A>G on the plus strand (T>C on the coding strand, the complement: MYH7 is on the minus strand). VCF-style: chr14-23431587-A-G. GRCh37 (hg19) VCF-style: chr14-23900796-A-G.
Other names: p.F244L:TTC>CTC; c.730T>C (LRG_384t1); short protein forms F244L.
Identifiers: ClinVar variation 181319 (VCV000181319.2), dbSNP rs730880849, ClinGen allele CA016711.